The following is an entry in ClinVar:

ClinVar aggregate classification (germline): Uncertain significance. Review status: criteria provided, multiple submitters, no conflicts (2 of 4 stars). 4 submissions from 4 submitters: Uncertain significance (4). Last evaluated 2026-04-01.

Conditions:
Inborn genetic diseases. Identifiers: MedGen C0950123, MeSH D030342.

Allele frequency attached by ClinVar (database versions not stated): TOPMed 0.00001; gnomAD exomes 0.00002 and 0.00005; ExAC 0.00003.
gnomAD v4.1: 25 of 1,612,670 alleles (0.0016%); highest among the groups gnomAD compares: South Asian, 0.025%; no homozygotes.

Submissions (4):

GeneDx
Classification: Uncertain significance. Last evaluated: 2026-04-01. Review status: criteria provided, single submitter. Criteria: GeneDx Variant Classification Process June 2021. Collection method: clinical testing. Allele origin: germline.
Comment: In silico analysis supports that this missense variant has a deleterious effect on protein structure/function; Has not been previously published as pathogenic or benign to our knowledge

Labcorp Genetics (formerly Invitae), Labcorp
Classification: Uncertain significance. Last evaluated: 2025-01-15. Review status: criteria provided, single submitter. Criteria: Invitae Variant Classification Sherloc (09022015). Collection method: clinical testing. Allele origin: germline.
Comment: This sequence change replaces cysteine, which is neutral and slightly polar, with arginine, which is basic and polar, at codon 128 of the PDZD7 protein (p.Cys128Arg). This variant is present in population databases (rs746178505, gnomAD 0.04%). This variant has not been reported in the literature in individuals affected with PDZD7-related conditions. ClinVar contains an entry for this variant (Variation ID: 857966). Invitae Evidence Modeling of protein sequence and biophysical properties (such as structural, functional, and spatial information, amino acid conservation, physicochemical variation, residue mobility, and thermodynamic stability) indicates that this missense variant is not expected to disrupt PDZD7 protein function with a negative predictive value of 80%. In summary, the available evidence is currently insufficient to determine the role of this variant in disease. Therefore, it has been classified as a Variant of Uncertain Significance.

Revvity Omics, Revvity
Classification: Uncertain significance. Last evaluated: 2023-11-08. Review status: criteria provided, single submitter. Criteria: ACMG Guidelines, 2015. Collection method: clinical testing. Allele origin: germline.

Ambry Genetics
Classification: Uncertain significance for Inborn genetic diseases. Last evaluated: 2021-07-20. Review status: criteria provided, single submitter. Criteria: Ambry Variant Classification Scheme 2023. Collection method: clinical testing. Allele origin: germline.

NM_001195263.2(PDZD7):c.382T>C (p.Cys128Arg)

Gene: PDZD7 (PDZ domain containing 7; minus strand). Cytogenetic location: 10q24.31.
Variant type: single nucleotide variant.
Coding change: c.382T>C on transcript NM_001195263.2 (MANE Select); coding-DNA position 382, T replaced by C.
Protein change: p.Cys128Arg; replaces cysteine 128 with arginine.
Molecular consequence: missense variant.
Genome position (GRCh38, 1-based): chr10:101,023,596, A>G on the plus strand (T>C on the coding strand, the complement: PDZD7 is on the minus strand). VCF-style: chr10-101023596-A-G. GRCh37 (hg19) VCF-style: chr10-102783353-A-G.
Other names: c.382T>C, p.Cys128Arg (NM_001351044.2, NM_024895.5); short protein forms C128R.
Identifiers: ClinVar variation 857966 (VCV000857966.14), dbSNP rs746178505, ClinGen allele CA5654397.